The following is an entry in ClinVar:

ClinVar aggregate classification (germline): Likely benign. Review status: criteria provided, single submitter (1 of 4 stars). 2 submissions from 2 submitters: Likely benign (1). 1 of the submissions does not count toward it. Last evaluated 2025-12-20.

Conditions:
TAPT1-related disorder. Also called: TAPT1-related condition.

Allele frequency attached by ClinVar (database versions not stated): gnomAD exomes 0.00007 and 0.00011; ExAC 0.00011; ESP Exome Variant Server 0.00034; TOPMed 0.00056; gnomAD 0.00065 and 0.00068.
gnomAD v4.1: 208 of 1,612,602 alleles (0.013%); highest among the groups gnomAD compares: African/African-American, 0.19%; 1 homozygote.

Submissions (2):

Labcorp Genetics (formerly Invitae), Labcorp
Classification: Likely benign. Last evaluated: 2025-12-20. Review status: criteria provided, single submitter. Criteria: Invitae Variant Classification Sherloc (09022015). Collection method: clinical testing. Allele origin: germline.

PreventionGenetics, part of Exact Sciences
Classification: Likely benign for TAPT1-related condition. Last evaluated: 2024-08-28. Review status: no assertion criteria provided. Collection method: clinical testing. Allele origin: germline. Not counted in ClinVar's aggregate classification.
Comment: This variant is classified as likely benign based on ACMG/AMP sequence variant interpretation guidelines (Richards et al. 2015 PMID: 25741868, with internal and published modifications).

NM_153365.3(TAPT1):c.675A>G (p.Ala225=)

Gene: TAPT1 (transmembrane anterior posterior transformation 1; minus strand). Cytogenetic location: 4p15.32.
Variant type: single nucleotide variant.
Coding change: c.675A>G on transcript NM_153365.3 (MANE Select); coding-DNA position 675, A replaced by G.
Protein change: p.Ala225=; no amino-acid change (alanine 225 retained).
Molecular consequence: synonymous variant.
Genome position (GRCh38, 1-based): chr4:16,188,293, T>C on the plus strand (A>G on the coding strand, the complement: TAPT1 is on the minus strand). VCF-style: chr4-16188293-T-C. GRCh37 (hg19) VCF-style: chr4-16189916-T-C.
Identifiers: ClinVar variation 786884 (VCV000786884.9), dbSNP rs374173201, ClinGen allele CA2867479.
Genomic context (GRCh38, chr4:16,188,293, plus strand): 5'-AGCCATGAAAAAGTGAGGAATCACCCCAATGTGGGCTCTTTTTCTTTCTTTAGGCTCTGT[T>C]GCTGTCCAATAGAGAGCATCTAATATGTCTTGTCCAAAAGATGAAAACAGACGATCAGCT-3'
Protein context (NP_699196.2, residues 215-235): QDILDALYWT[Ala225=]TEPKERKRAH